The following is an entry in ClinVar:

ClinVar aggregate classification (germline): Uncertain significance (1 of 4 stars; one submission).

Conditions:
Hereditary cancer-predisposing syndrome. Also called: Neoplastic Syndromes, Hereditary; Tumor predisposition; Hereditary Cancer Syndrome; Hereditary neoplastic syndrome. Identifiers: Orphanet 140162, MedGen C0027672, MeSH D009386, MONDO:0015356.

Submission:

Ambry Genetics
Classification: Uncertain significance for Hereditary cancer-predisposing syndrome. Last evaluated: 2025-07-04. Review status: criteria provided, single submitter. Criteria: Ambry Variant Classification Scheme 2023. Collection method: clinical testing. Allele origin: germline.
Comment: The p.P38Q variant (also known as c.113C>A), located in coding exon 1 of the STK11 gene, results from a C to A substitution at nucleotide position 113. The proline at codon 38 is replaced by glutamine, an amino acid with similar properties. This amino acid position is conserved. In addition, the in silico prediction for this alteration is inconclusive. Based on the available evidence, the clinical significance of this variant remains unclear.

NM_000455.5(STK11):c.113C>A (p.Pro38Gln)

Gene: STK11 (serine/threonine kinase 11; plus strand). Cytogenetic location: 19p13.3.
Variant type: single nucleotide variant.
Coding change: c.113C>A on transcript NM_000455.5 (MANE Select); coding-DNA position 113, C replaced by A.
Protein change: p.Pro38Gln; replaces proline 38 with glutamine.
Molecular consequence: missense variant. On other transcripts: non-coding transcript variant (1).
Genome position (GRCh38, 1-based): chr19:1,207,026, C>A. VCF-style: chr19-1207026-C-A. GRCh37 (hg19) VCF-style: chr19-1207025-C-A.
Other names: c.113C>A, p.Pro38Gln (NM_001407255.1); short protein forms P38Q.
Identifiers: ClinVar variation 4176610 (VCV004176610.1).